The following is an entry in ClinVar:

ClinVar aggregate classification (germline): Uncertain significance (1 of 4 stars; one submission).

gnomAD v4.1: 7 of 1,159,746 alleles (0.0006%); highest among the groups gnomAD compares: Admixed American, 0.013%; no homozygotes.

Submission:

Labcorp Genetics (formerly Invitae), Labcorp
Classification: Uncertain significance. Last evaluated: 2025-02-15. Review status: criteria provided, single submitter. Criteria: Invitae Variant Classification Sherloc (09022015). Collection method: clinical testing. Allele origin: germline.
Comment: This sequence change replaces asparagine, which is neutral and polar, with aspartic acid, which is acidic and polar, at codon 139 of the PLS3 protein (p.Asn139Asp). This variant is present in population databases (rs782035535, gnomAD 0.02%). This variant has not been reported in the literature in individuals affected with PLS3-related conditions. Invitae Evidence Modeling of protein sequence and biophysical properties (such as structural, functional, and spatial information, amino acid conservation, physicochemical variation, residue mobility, and thermodynamic stability) indicates that this missense variant is not expected to disrupt PLS3 protein function with a negative predictive value of 80%. In summary, the available evidence is currently insufficient to determine the role of this variant in disease. Therefore, it has been classified as a Variant of Uncertain Significance.

NM_005032.7(PLS3):c.415A>G (p.Asn139Asp)

Gene: PLS3 (plastin 3; plus strand). Cytogenetic location: Xq23.
Variant type: single nucleotide variant.
Coding change: c.415A>G on transcript NM_005032.7 (MANE Select); coding-DNA position 415, A replaced by G.
Protein change: p.Asn139Asp; replaces asparagine 139 with aspartic acid.
Molecular consequence: missense variant.
Genome position (GRCh38, 1-based): chrX:115,629,882, A>G. VCF-style: chrX-115629882-A-G. GRCh37 (hg19) VCF-style: chrX-114864194-A-G.
Other names: c.415A>G, p.Asn139Asp (NM_001136025.5, NM_001440791.1, NM_001440792.1); c.334A>G, p.Asn112Asp (NM_001172335.3); c.349A>G, p.Asn117Asp (NM_001282337.2); c.280A>G, p.Asn94Asp (NM_001282338.2); short protein forms N112D, N139D, N94D, N117D.
Identifiers: ClinVar variation 4701851 (VCV004701851.1).